The following is an entry in ClinVar:

ClinVar aggregate classification (germline): Uncertain significance (1 of 4 stars; one submission).

Conditions:
Wilson disease (WND). Also called: Wilson's disease. Identifiers: Orphanet 905, MedGen C0019202, MONDO:0010200, OMIM 277900. Disease mechanism: loss of function.

Allele frequency attached by ClinVar (database versions not stated): gnomAD exomes below 0.00001.
gnomAD v4.1: 1 of 1,614,126 alleles (0.000062%); highest among the groups gnomAD compares: Non-Finnish European, 0.000085%; no homozygotes.

Submission:

All of Us Research Program, National Institutes of Health
Classification: Uncertain significance for Wilson disease. Last evaluated: 2023-11-30. Review status: criteria provided, single submitter. Criteria: ACMG Guidelines, 2015. Collection method: clinical testing. Allele origin: germline. Inheritance: Autosomal recessive inheritance. Observed: 1 variant allele, 1 heterozygote.
Comment: This missense variant replaces leucine with valine at codon 1454 of the ATP7B protein. Computational prediction suggests that this variant may not impact protein structure and function (internally defined REVEL score threshold <= 0.5, PMID: 27666373). To our knowledge, functional studies have not been reported for this variant. This variant has not been reported in individuals affected with Wilson disease in the literature. This variant has not been identified in the general population by the Genome Aggregation Database (gnomAD). The available evidence is insufficient to determine the role of this variant in disease conclusively. Therefore, this variant is classified as a Variant of Uncertain Significance.

This study involves interpretation of variants in research participants for the purpose of population health screening. Participant phenotype was not available at the time of variant classification. Additional details can be found in publication PMID: 35346344, PMCID: PMC8962531

NM_000053.4(ATP7B):c.4360C>G (p.Leu1454Val)

Gene: ATP7B (ATPase copper transporting beta; minus strand). Cytogenetic location: 13q14.3.
Variant type: single nucleotide variant.
Coding change: c.4360C>G on transcript NM_000053.4 (MANE Select); coding-DNA position 4360, C replaced by G.
Protein change: p.Leu1454Val; replaces leucine 1454 with valine.
Molecular consequence: missense variant.
Genome position (GRCh38, 1-based): chr13:51,934,794, G>C on the plus strand (C>G on the coding strand, the complement: ATP7B is on the minus strand). VCF-style: chr13-51934794-G-C. GRCh37 (hg19) VCF-style: chr13-52508930-G-C.
Other names: c.3739C>G, p.Leu1247Val (NM_001005918.3); c.4027C>G, p.Leu1343Val (NM_001243182.2); c.4126C>G, p.Leu1376Val (NM_001330578.2, NM_001406527.1, NM_001406528.1); c.4108C>G, p.Leu1370Val (NM_001330579.2, NM_001406531.1, NM_001406532.1); c.4360C>G, p.Leu1454Val (NM_001406511.1, NM_001406512.1); c.4354C>G, p.Leu1452Val (NM_001406513.1); c.4327C>G, p.Leu1443Val (NM_001406514.1); c.4306C>G, p.Leu1436Val (NM_001406515.1, NM_001406516.1); and 21 more; short protein forms L1024V, L1173V, L1227V, L1238V, L1247V, L1260V, L1290V, L1292V.
Identifiers: ClinVar variation 3075567 (VCV003075567.1), dbSNP rs2547539630, ClinGen allele CA388018828.